The following is an entry in ClinVar:

ClinVar aggregate classification (germline): Likely pathogenic (1 of 4 stars; one submission).

Submission:

Mayo Clinic Laboratories, Mayo Clinic
Classification: Likely pathogenic. Last evaluated: 2022-12-19. Review status: criteria provided, single submitter. Criteria: ACMG Guidelines, 2015. Collection method: clinical testing. Allele origin: germline. Observed: 1 variant allele.
Comment: PP3, PM1_supporting, PM2, PS4_moderate

NM_000132.4(F8):c.1462G>C (p.Ala488Pro)

Gene: F8 (coagulation factor VIII; minus strand). Cytogenetic location: Xq28.
Variant type: single nucleotide variant.
Coding change: c.1462G>C on transcript NM_000132.4 (MANE Select); coding-DNA position 1462, G replaced by C.
Protein change: p.Ala488Pro; replaces alanine 488 with proline.
Molecular consequence: missense variant.
Genome position (GRCh38, 1-based): chrX:154,961,150, C>G on the plus strand (G>C on the coding strand, the complement: F8 is on the minus strand). VCF-style: chrX-154961150-C-G. GRCh37 (hg19) VCF-style: chrX-154189425-C-G.
Other names: p.Ala488Pro; short protein forms A488P.
Identifiers: ClinVar variation 2683582 (VCV002683582.1), dbSNP rs2523945705, ClinGen allele CA414912864.